The following is an entry in ClinVar:

ClinVar aggregate classification (germline): Uncertain significance (1 of 4 stars; one submission).

gnomAD v4.1: 1 of 1,333,996 alleles (0.000075%); highest among the groups gnomAD compares: Non-Finnish European, 0.000096%; no homozygotes.

Submission:

GeneDx
Classification: Uncertain significance. Last evaluated: 2025-04-19. Review status: criteria provided, single submitter. Criteria: GeneDx Variant Classification Process June 2021. Collection method: clinical testing. Allele origin: germline. Affected: yes.
Comment: Not observed at significant frequency in large population cohorts (gnomAD); In silico analysis indicates that this missense variant does not alter protein structure/function; Has not been previously published as pathogenic or benign to our knowledge

NM_001009999.3(KDM1A):c.143C>G (p.Ala48Gly)

Gene: KDM1A (lysine demethylase 1A; plus strand). Cytogenetic location: 1p36.12.
Variant type: single nucleotide variant.
Coding change: c.143C>G on transcript NM_001009999.3 (MANE Select); coding-DNA position 143, C replaced by G.
Protein change: p.Ala48Gly; replaces alanine 48 with glycine.
Molecular consequence: missense variant.
Genome position (GRCh38, 1-based): chr1:23,019,739, C>G. VCF-style: chr1-23019739-C-G. GRCh37 (hg19) VCF-style: chr1-23346232-C-G.
Other names: c.143C>G, p.Ala48Gly (NM_001363654.2, NM_001410762.1, NM_001410763.1 and 1 more transcripts); short protein forms A48G.
Identifiers: ClinVar variation 4527356 (VCV004527356.1).